The following is an entry in ClinVar:

NM_000238.4(KCNH2):c.239C>G (p.Ala80Gly)

Gene: KCNH2 (potassium voltage-gated channel subfamily H member 2; minus strand). Cytogenetic location: 7q36.1.
Variant type: single nucleotide variant.
Coding change: c.239C>G on transcript NM_000238.4 (MANE Select); coding-DNA position 239, C replaced by G.
Protein change: p.Ala80Gly; replaces alanine 80 with glycine.
Molecular consequence: missense variant.
Genome position (GRCh38, 1-based): chr7:150,974,779, G>C on the plus strand (C>G on the coding strand, the complement: KCNH2 is on the minus strand). VCF-style: chr7-150974779-G-C. GRCh37 (hg19) VCF-style: chr7-150671867-G-C.
Other names: c.62C>G, p.Ala21Gly (NM_001406755.1); c.239C>G, p.Ala80Gly (NM_172056.3); short protein forms A21G, A80G.
Identifiers: ClinVar variation 1965441 (VCV001965441.5), dbSNP rs199473493, ClinGen allele CA369865505.

ClinVar aggregate classification (germline): Uncertain significance (1 of 4 stars; one submission).

Conditions:
Long QT syndrome (LQTS). Identifiers: MedGen C0023976, MeSH D008133, MONDO:0002442. Disease mechanism: loss of function. Inheritance: Various modes of inheritance.

Submission:

Labcorp Genetics (formerly Invitae), Labcorp
Classification: Uncertain significance for Long QT syndrome. Last evaluated: 2024-08-30. Review status: criteria provided, single submitter. Criteria: Invitae Variant Classification Sherloc (09022015). Collection method: clinical testing. Allele origin: germline.
Comment: This sequence change replaces alanine, which is neutral and non-polar, with glycine, which is neutral and non-polar, at codon 80 of the KCNH2 protein (p.Ala80Gly). This variant is not present in population databases (gnomAD no frequency). This variant has not been reported in the literature in individuals affected with KCNH2-related conditions. ClinVar contains an entry for this variant (Variation ID: 1965441). An algorithm developed to predict the effect of missense changes on protein structure and function (PolyPhen-2) suggests that this variant is likely to be tolerated. In summary, the available evidence is currently insufficient to determine the role of this variant in disease. Therefore, it has been classified as a Variant of Uncertain Significance.